The following is an entry in ClinVar:

ClinVar aggregate classification (germline): Uncertain significance. Review status: criteria provided, multiple submitters, no conflicts (2 of 4 stars). 2 submissions from 2 submitters: Uncertain significance (2). Last evaluated 2025-02-25.

Conditions:
Hereditary spastic paraplegia 4. Also called: Spastic paraplegia 4, autosomal dominant; Spastic Paraplegia 4; Familial spastic paraplegia autosomal dominant 2. Identifiers: Orphanet 100985, MedGen C1866855, MONDO:0008438, OMIM 182601.

Allele frequency attached by ClinVar (database versions not stated): ExAC 0.00006.
gnomAD v4.1: 9 of 1,576,980 alleles (0.00057%); highest among the groups gnomAD compares: South Asian, 0.01%; no homozygotes.

Submissions (2):

Labcorp Genetics (formerly Invitae), Labcorp
Classification: Uncertain significance for Hereditary spastic paraplegia 4. Last evaluated: 2025-02-25. Review status: criteria provided, single submitter. Criteria: Invitae Variant Classification Sherloc (09022015). Collection method: clinical testing. Allele origin: germline.
Comment: This sequence change replaces proline, which is neutral and non-polar, with arginine, which is basic and polar, at codon 4 of the SPAST protein (p.Pro4Arg). This variant is present in population databases (rs751225341, gnomAD 0.01%). This variant has not been reported in the literature in individuals affected with SPAST-related conditions. ClinVar contains an entry for this variant (Variation ID: 2055101). Invitae Evidence Modeling of protein sequence and biophysical properties (such as structural, functional, and spatial information, amino acid conservation, physicochemical variation, residue mobility, and thermodynamic stability) has been performed for this missense variant. However, the output from this modeling did not meet the statistical confidence thresholds required to predict the impact of this variant on SPAST protein function. In summary, the available evidence is currently insufficient to determine the role of this variant in disease. Therefore, it has been classified as a Variant of Uncertain Significance.

GeneDx
Classification: Uncertain significance. Last evaluated: 2024-02-14. Review status: criteria provided, single submitter. Criteria: GeneDx Variant Classification Process June 2021. Collection method: clinical testing. Allele origin: germline. Affected: yes.
Comment: In silico analysis supports that this missense variant does not alter protein structure/function; Has not been previously published as pathogenic or benign to our knowledge

NM_014946.4(SPAST):c.11C>G (p.Pro4Arg)

Gene: SPAST (spastin; plus strand). Cytogenetic location: 2p22.3.
Variant type: single nucleotide variant.
Coding change: c.11C>G on transcript NM_014946.4 (MANE Select); coding-DNA position 11, C replaced by G.
Protein change: p.Pro4Arg; replaces proline 4 with arginine.
Molecular consequence: missense variant.
Genome position (GRCh38, 1-based): chr2:32,063,842, C>G. VCF-style: chr2-32063842-C-G. GRCh37 (hg19) VCF-style: chr2-32288911-C-G.
Other names: c.11C>G, p.Pro4Arg (NM_001363823.2, NM_001363875.2, NM_001377959.1 and 1 more transcripts); short protein forms P4R.
Identifiers: ClinVar variation 2055101 (VCV002055101.5), dbSNP rs751225341, ClinGen allele CA1600449.
Genomic context (GRCh38, chr2:32,063,842, plus strand): 5'-GTCGGTCTGCGGGAGGCGGGTTATGGCGGCGGCGGCAGTGAGAGCTGTGAATGAATTCTC[C>G]GGGTGGACGAGGGAAGAAGAAAGGCTCCGGCGGCGCCAGCAACCCGGTGCCTCCCAGGCC-3'
Protein context (NP_055761.2, residues 1-14): MNS[Pro4Arg]GGRGKKKGSG